The following is an entry in ClinVar:

NM_012301.4(MAGI2):c.539-4G>C

Gene: MAGI2 (membrane associated guanylate kinase, WW and PDZ domain containing 2; minus strand). Cytogenetic location: 7q21.11.
Variant type: single nucleotide variant.
Coding change: c.539-4G>C on transcript NM_012301.4 (MANE Select); 4 bases into the intron before coding-DNA position 539, G replaced by C.
Molecular consequence: intron variant.
Genome position (GRCh38, 1-based): chr7:78,521,649, C>G on the plus strand (G>C on the coding strand, the complement: MAGI2 is on the minus strand). VCF-style: chr7-78521649-C-G. GRCh37 (hg19) VCF-style: chr7-78150966-C-G.
Other names: c.539-4G>C (NM_001301128.2).
Identifiers: ClinVar variation 746317 (VCV000746317.5), dbSNP rs372292060, ClinGen allele CA4314231.

ClinVar aggregate classification (germline): Likely benign. Review status: criteria provided, multiple submitters, no conflicts (2 of 4 stars). 2 submissions from 2 submitters: Likely benign (2). Last evaluated 2026-05-14.

Conditions:
MAGI2-related disorder. Also called: MAGI2-related condition.

Allele frequency attached by ClinVar (database versions not stated): gnomAD exomes below 0.00001 and 0.00002; ExAC 0.00002; gnomAD 0.00005; TOPMed 0.00005; ESP Exome Variant Server 0.00008.
gnomAD v4.1: 9 of 1,610,506 alleles (0.00056%); highest among the groups gnomAD compares: African/African-American, 0.012%; no homozygotes.

Submissions (2):

PreventionGenetics, part of Exact Sciences
Classification: Likely benign for MAGI2-related condition. Last evaluated: 2026-05-14. Review status: criteria provided, single submitter. Criteria: ACMG Guidelines, 2015. Collection method: clinical testing. Allele origin: germline.
Comment: This variant is classified as likely benign based on ACMG/AMP sequence variant interpretation guidelines (Richards et al. 2015 PMID: 25741868, with internal and published modifications).

Labcorp Genetics (formerly Invitae), Labcorp
Classification: Likely benign. Last evaluated: 2019-12-31. Review status: criteria provided, single submitter. Criteria: Invitae Variant Classification Sherloc (09022015). Collection method: clinical testing. Allele origin: germline.